The following is an entry in ClinVar:

NM_002880.4(RAF1):c.1922C>G (p.Thr641Arg)

Gene: RAF1 (Raf-1 proto-oncogene, serine/threonine kinase; minus strand). Cytogenetic location: 3p25.2.
Variant type: single nucleotide variant.
Coding change: c.1922C>G on transcript NM_002880.4 (MANE Select); coding-DNA position 1922, C replaced by G.
Protein change: p.Thr641Arg; replaces threonine 641 with arginine.
Molecular consequence: missense variant. On other transcripts: non-coding transcript variant (3).
Genome position (GRCh38, 1-based): chr3:12,584,539, G>C on the plus strand (C>G on the coding strand, the complement: RAF1 is on the minus strand). VCF-style: chr3-12584539-G-C. GRCh37 (hg19) VCF-style: chr3-12626038-G-C.
Other names: c.1679C>G, p.Thr560Arg (NM_001354691.3, NM_001354692.3); c.1823C>G, p.Thr608Arg (NM_001354693.3); c.1739C>G, p.Thr580Arg (NM_001354694.3); c.1580C>G, p.Thr527Arg (NM_001354695.3); c.1982C>G, p.Thr661Arg (NM_001354689.3); c.1922C>G, p.Thr641Arg (NM_001354690.3); short protein forms T527R, T560R, T580R, T608R, T641R, T661R.
Identifiers: ClinVar variation 1696596 (VCV001696596.3), dbSNP rs587777587, ClinGen allele CA351495480.

ClinVar aggregate classification (germline): Uncertain significance. Review status: criteria provided, multiple submitters, no conflicts (2 of 4 stars). 2 submissions from 2 submitters: Uncertain significance (2). Last evaluated 2024-07-05.

Conditions:
Cardiovascular phenotype. Identifiers: MedGen CN230736.
LEOPARD syndrome 2 (LPRD2). Also called: RAF1-Related LEOPARD Syndrome. Identifiers: Orphanet 500, MedGen C1969056, MONDO:0012691, OMIM 611554.
Noonan syndrome 5 (NS5). Also called: RAF1-Related Noonan Syndrome. Identifiers: Orphanet 648, MedGen C1969057, MONDO:0012690, OMIM 611553. Disease mechanism: gain of function.

gnomAD v4.1: 10 of 1,614,184 alleles (0.00062%); highest among the groups gnomAD compares: Non-Finnish European, 0.00068%; no homozygotes.

Submissions (2):

Ambry Genetics
Classification: Uncertain significance for Cardiovascular phenotype. Last evaluated: 2024-07-05. Review status: criteria provided, single submitter. Criteria: Ambry Variant Classification Scheme 2023. Collection method: clinical testing. Allele origin: germline.
Comment: The p.T641R variant (also known as c.1922C>G), located in coding exon 16 of the RAF1 gene, results from a C to G substitution at nucleotide position 1922. The threonine at codon 641 is replaced by arginine, an amino acid with similar properties. This amino acid position is highly conserved in available vertebrate species. In addition, this alteration is predicted to be deleterious by in silico analysis. Based on the available evidence, the clinical significance of this variant remains unclear.

New York Genome Center
Classification: Uncertain significance for LEOPARD syndrome 2; Noonan syndrome 5. Last evaluated: 2021-07-30. Review status: criteria provided, single submitter. Criteria: NYGC Assertion Criteria 2020. Collection method: clinical testing. Allele origin: inherited. Observed: 1 heterozygote. Study: CSER-NYCKidSeq.